The following is an entry in ClinVar:

NM_133433.4(NIPBL):c.2224A>C (p.Ser742Arg)

Gene: NIPBL (NIPBL cohesin loading factor; plus strand). Cytogenetic location: 5p13.2.
Variant type: single nucleotide variant.
Coding change: c.2224A>C on transcript NM_133433.4 (MANE Select); coding-DNA position 2224, A replaced by C.
Protein change: p.Ser742Arg; replaces serine 742 with arginine.
Molecular consequence: missense variant.
Genome position (GRCh38, 1-based): chr5:36,985,404, A>C. VCF-style: chr5-36985404-A-C. GRCh37 (hg19) VCF-style: chr5-36985506-A-C.
Other names: c.2224A>C (NM_133433.3); c.2224A>C, p.Ser742Arg (NM_015384.5); short protein forms S742R.
Identifiers: ClinVar variation 2723955 (VCV002723955.3), dbSNP rs749213303, ClinGen allele CA3236145.

ClinVar aggregate classification (germline): Conflicting classifications of pathogenicity. Review status: criteria provided, conflicting classifications (1 of 4 stars). 3 submissions from 3 submitters: Uncertain significance (1); Likely benign (1). 1 of the submissions does not count toward it. Last evaluated 2023-09-22.

Conditions:
Inborn genetic diseases. Identifiers: MedGen C0950123, MeSH D030342.
Cornelia de Lange syndrome 1 (CDLS1). Also called: Brachmann de Lange syndrome; NIPBL-Related Cornelia de Lange Syndrome; TYPUS DEGENERATIVUS AMSTELODAMENSIS. Identifiers: Orphanet 199, MedGen C4551851, MONDO:0007387, OMIM 122470.
NIPBL-related disorder. Also called: NIPBL-related condition.

Allele frequency attached by ClinVar (database versions not stated): ExAC 0.00003; gnomAD 0.00004; TOPMed 0.00008.
gnomAD v4.1: 73 of 1,613,560 alleles (0.0045%); highest among the groups gnomAD compares: Non-Finnish European, 0.006%; no homozygotes.

Submissions (3):

Ambry Genetics
Classification: Likely benign for Inborn genetic diseases. Last evaluated: 2023-09-22. Review status: criteria provided, single submitter. Criteria: Ambry Variant Classification Scheme 2023. Collection method: clinical testing. Allele origin: germline.

Labcorp Genetics (formerly Invitae), Labcorp
Classification: Uncertain significance for Cornelia de Lange syndrome 1. Last evaluated: 2023-08-27. Review status: criteria provided, single submitter. Criteria: Invitae Variant Classification Sherloc (09022015). Collection method: clinical testing. Allele origin: germline.
Comment: In summary, the available evidence is currently insufficient to determine the role of this variant in disease. Therefore, it has been classified as a Variant of Uncertain Significance. Advanced modeling of protein sequence and biophysical properties (such as structural, functional, and spatial information, amino acid conservation, physicochemical variation, residue mobility, and thermodynamic stability) performed at Invitae indicates that this missense variant is not expected to disrupt NIPBL protein function. This sequence change replaces serine, which is neutral and polar, with arginine, which is basic and polar, at codon 742 of the NIPBL protein (p.Ser742Arg). This variant is present in population databases (rs749213303, gnomAD 0.007%). This variant has not been reported in the literature in individuals affected with NIPBL-related conditions.

PreventionGenetics, part of Exact Sciences
Classification: Benign for NIPBL-related condition. Last evaluated: 2024-05-13. Review status: no assertion criteria provided. Collection method: clinical testing. Allele origin: germline. Not counted in ClinVar's aggregate classification.
Comment: This variant is classified as benign based on ACMG/AMP sequence variant interpretation guidelines (Richards et al. 2015 PMID: 25741868, with internal and published modifications).